The following is an entry in ClinVar:

ClinVar aggregate classification (germline): Uncertain significance (1 of 4 stars; one submission).

Allele frequency attached by ClinVar (database versions not stated): gnomAD exomes below 0.00001; ExAC 0.00001.
gnomAD v4.1: 1 of 1,614,208 alleles (0.000062%); highest among the groups gnomAD compares: Non-Finnish European, 0.000085%; no homozygotes.

Submission:

Ambry Genetics
Classification: Uncertain significance. Last evaluated: 2024-04-22. Review status: criteria provided, single submitter. Criteria: Ambry Variant Classification Scheme 2023. Collection method: clinical testing. Allele origin: germline.
Comment: The p.R159S variant (also known as c.477G>T), located in coding exon 1 of the MLH3 gene, results from a G to T substitution at nucleotide position 477. The arginine at codon 159 is replaced by serine, an amino acid with dissimilar properties. This amino acid position is conserved. In addition, this alteration is predicted to be deleterious by in silico analysis. Since supporting evidence is limited at this time, the clinical significance of this alteration remains unclear.

NM_001040108.2(MLH3):c.477G>T (p.Arg159Ser)

Gene: MLH3 (mutL homolog 3; minus strand). Cytogenetic location: 14q24.3.
Variant type: single nucleotide variant.
Coding change: c.477G>T on transcript NM_001040108.2 (MANE Select); coding-DNA position 477, G replaced by T.
Protein change: p.Arg159Ser; replaces arginine 159 with serine.
Molecular consequence: missense variant.
Genome position (GRCh38, 1-based): chr14:75,049,179, C>A on the plus strand (G>T on the coding strand, the complement: MLH3 is on the minus strand). VCF-style: chr14-75049179-C-A. GRCh37 (hg19) VCF-style: chr14-75515882-C-A.
Other names: c.477G>T, p.Arg159Ser (NM_014381.3); short protein forms R159S.
Identifiers: ClinVar variation 1743040 (VCV001743040.3), dbSNP rs774909658, ClinGen allele CA7276021.